The following is an entry in ClinVar:

NM_138694.4(PKHD1):c.11123T>C (p.Met3708Thr)

Gene: PKHD1 (PKHD1 ciliary IPT domain containing fibrocystin/polyductin; minus strand). Cytogenetic location: 6p12.3.
Variant type: single nucleotide variant.
Coding change: c.11123T>C on transcript NM_138694.4 (MANE Select); coding-DNA position 11123, T replaced by C.
Protein change: p.Met3708Thr; replaces methionine 3708 with threonine.
Molecular consequence: missense variant.
Genome position (GRCh38, 1-based): chr6:51,659,003, A>G on the plus strand (T>C on the coding strand, the complement: PKHD1 is on the minus strand). VCF-style: chr6-51659003-A-G. GRCh37 (hg19) VCF-style: chr6-51523801-A-G.
Other names: short protein forms M3708T.
Identifiers: ClinVar variation 289978 (VCV000289978.33), dbSNP rs373896034, ClinGen allele CA3850957.

ClinVar aggregate classification (germline): Uncertain significance. Review status: criteria provided, multiple submitters, no conflicts (2 of 4 stars). 3 submissions from 3 submitters: Uncertain significance (3). Last evaluated 2023-05-01.

Conditions:
Polycystic kidney disease 4 (PKD4). Also called: POLYCYSTIC KIDNEY DISEASE 4 WITH OR WITHOUT POLYCYSTIC LIVER DISEASE; PKD3; Autosomal Recessive Polycystic Kidney Disease – PKHD1; POLYCYSTIC KIDNEY AND HEPATIC DISEASE 1; POLYCYSTIC KIDNEY DISEASE, INFANTILE, TYPE I. Identifiers: MedGen C4540575, MONDO:0033004, OMIM 263200.

Allele frequency attached by ClinVar (database versions not stated): gnomAD exomes 0.00001 and 0.00002; ExAC 0.00002; TOPMed 0.00005; gnomAD 0.00006; ESP Exome Variant Server 0.00008.
gnomAD v4.1: 22 of 1,613,144 alleles (0.0014%); highest among the groups gnomAD compares: African/African-American, 0.027%; no homozygotes.

Submissions (3):

CeGaT Center for Human Genetics Tuebingen
Classification: Uncertain significance. Last evaluated: 2023-05-01. Review status: criteria provided, single submitter. Criteria: CeGaT Center For Human Genetics Tuebingen Variant Classification Criteria Version 2. Collection method: clinical testing. Allele origin: germline. Affected: yes. Observed: 1 variant allele.
Comment: PKHD1: PM2, BP4

Fulgent Genetics
Classification: Uncertain significance for Polycystic kidney disease 4. Last evaluated: 2022-04-08. Review status: criteria provided, single submitter. Criteria: ACMG Guidelines, 2015. Collection method: clinical testing. Allele origin: unknown.

Eurofins Ntd Llc (ga)
Classification: Uncertain significance. Last evaluated: 2016-08-02. Review status: criteria provided, single submitter. Criteria: EGL Classification Definitions 2015. Collection method: clinical testing. Allele origin: germline. Observed: 1 variant allele, 1 heterozygote.